The following is an entry in ClinVar:

ClinVar aggregate classification (germline): Uncertain significance (1 of 4 stars; one submission).

Conditions:
Alstrom syndrome (ALMS). Identifiers: Orphanet 64, MedGen C0268425, MONDO:0008763, OMIM 203800.

Submission:

Labcorp Genetics (formerly Invitae), Labcorp
Classification: Uncertain significance for Alstrom syndrome. Last evaluated: 2023-05-22. Review status: criteria provided, single submitter. Criteria: Invitae Variant Classification Sherloc (09022015). Collection method: clinical testing. Allele origin: germline.
Comment: This sequence change replaces aspartic acid, which is acidic and polar, with tyrosine, which is neutral and polar, at codon 828 of the ALMS1 protein (p.Asp828Tyr). In summary, the available evidence is currently insufficient to determine the role of this variant in disease. Therefore, it has been classified as a Variant of Uncertain Significance. Experimental studies and prediction algorithms are not available or were not evaluated, and the functional significance of this variant is currently unknown. This variant has not been reported in the literature in individuals affected with ALMS1-related conditions. Information on the frequency of this variant in the gnomAD database is not available, as this variant may be reported differently in the database.

NM_001378454.1(ALMS1):c.2478_2479delinsCT (p.Asp827Tyr)

Gene: ALMS1 (ALMS1 centrosome and basal body associated protein; plus strand). Cytogenetic location: 2p13.1.
Variant type: Indel.
Coding change: c.2478_2479delinsCT on transcript NM_001378454.1 (MANE Select); coding-DNA positions 2478 to 2479, GG replaced by CT.
Protein change: p.Asp827Tyr; replaces aspartic acid 827 with tyrosine.
Molecular consequence: missense variant.
Genome position (GRCh38, 1-based): chr2:73,449,005-73,449,006, GG replaced by CT. VCF-style: chr2-73449005-GG-CT. GRCh37 (hg19) VCF-style: chr2-73676132-GG-CT.
Other names: c.2481_2482delinsCT, p.Asp828Tyr (NM_015120.4); short protein forms D828Y, D827Y.
Identifiers: ClinVar variation 2866883 (VCV002866883.3), dbSNP rs2466094737, ClinGen allele CA2739271080.